The following is an entry in ClinVar:

NM_003924.4(PHOX2B):c.*18_*19delinsAA

Gene: PHOX2B (paired like homeobox 2B; minus strand). Cytogenetic location: 4p13.
Variant type: Indel.
Coding change: c.*18_*19delinsAA on transcript NM_003924.4 (MANE Select); 18 bases downstream of the stop codon through 19 bases downstream of the stop codon, GC replaced by AA.
Molecular consequence: 3 prime UTR variant.
Genome position (GRCh38, 1-based): chr4:41,745,788-41,745,789, GC replaced by TT on the plus strand (GC replaced by AA on the coding strand, the reverse complement: PHOX2B is on the minus strand). VCF-style: chr4-41745788-GC-TT. GRCh37 (hg19) VCF-style: chr4-41747805-GC-TT.
Identifiers: ClinVar variation 2798337 (VCV002798337.3), dbSNP rs2552096746, ClinGen allele CA2586973782.

ClinVar aggregate classification (germline): Uncertain significance (1 of 4 stars; one submission).

Conditions:
Haddad syndrome (OHD). Also called: Ondine-Hirschsprung disease. Identifiers: Orphanet 99803, MedGen C1859049, MONDO:0020493.

Submission:

Labcorp Genetics (formerly Invitae), Labcorp
Classification: Uncertain significance for Haddad syndrome. Last evaluated: 2025-07-09. Review status: criteria provided, single submitter. Criteria: Invitae Variant Classification Sherloc (09022015). Collection method: clinical testing. Allele origin: germline.
Comment: This variant occurs in a non-coding region of the PHOX2B gene. It does not change the encoded amino acid sequence of the PHOX2B protein. Information on the frequency of this variant in the gnomAD database is not available, as this variant may be reported differently in the database. This variant has been observed in individual(s) with PHOX2B-related conditions (PMID: 33958749). ClinVar contains an entry for this variant (Variation ID: 2798337). Experimental studies and prediction algorithms are not available or were not evaluated, and the functional significance of this variant is currently unknown. In summary, the available evidence is currently insufficient to determine the role of this variant in disease. Therefore, it has been classified as a Variant of Uncertain Significance.

Literature cited by the submitters: PubMed 33958749.